The following is an entry in ClinVar:

ClinVar aggregate classification (germline): Uncertain significance (1 of 4 stars; one submission).

gnomAD v4.1: 7 of 1,614,084 alleles (0.00043%); highest among the groups gnomAD compares: Admixed American, 0.0017%; no homozygotes.

Submission:

Labcorp Genetics (formerly Invitae), Labcorp
Classification: Uncertain significance. Last evaluated: 2025-02-13. Review status: criteria provided, single submitter. Criteria: Invitae Variant Classification Sherloc (09022015). Collection method: clinical testing. Allele origin: germline.
Comment: This sequence change replaces asparagine, which is neutral and polar, with serine, which is neutral and polar, at codon 98 of the LAMB1 protein (p.Asn98Ser). This variant is present in population databases (no rsID available, gnomAD 0.003%). This variant has not been reported in the literature in individuals affected with LAMB1-related conditions. An algorithm developed to predict the effect of missense changes on protein structure and function (PolyPhen-2) suggests that this variant is likely to be disruptive. In summary, the available evidence is currently insufficient to determine the role of this variant in disease. Therefore, it has been classified as a Variant of Uncertain Significance.

NM_002291.3(LAMB1):c.293A>G (p.Asn98Ser)

Gene: LAMB1 (laminin subunit beta 1; minus strand). Cytogenetic location: 7q31.1.
Variant type: single nucleotide variant.
Coding change: c.293A>G on transcript NM_002291.3 (MANE Select); coding-DNA position 293, A replaced by G.
Protein change: p.Asn98Ser; replaces asparagine 98 with serine.
Molecular consequence: missense variant.
Genome position (GRCh38, 1-based): chr7:107,998,413, T>C on the plus strand (A>G on the coding strand, the complement: LAMB1 is on the minus strand). VCF-style: chr7-107998413-T-C. GRCh37 (hg19) VCF-style: chr7-107638858-T-C.
Other names: short protein forms N98S.
Identifiers: ClinVar variation 4747968 (VCV004747968.1).